The following is an entry in ClinVar:

ClinVar aggregate classification (germline): Uncertain significance (1 of 4 stars; one submission).

Conditions:
Familial temporal lobe epilepsy 7. Identifiers: Orphanet 101046, MedGen C4225327, MONDO:0014639, OMIM 616436.
Norman-Roberts syndrome (LIS2). Also called: Lissencephaly 2 (Norman-Roberts type). Identifiers: Orphanet 89844, MedGen C0796089, MONDO:0009760, OMIM 257320.

Allele frequency attached by ClinVar (database versions not stated): TOPMed 0.00002; gnomAD exomes 0.00003; ExAC 0.00005; ESP Exome Variant Server 0.00008.
gnomAD v4.1: 42 of 1,613,882 alleles (0.0026%); highest among the groups gnomAD compares: South Asian, 0.0033%; no homozygotes.

Submission:

Labcorp Genetics (formerly Invitae), Labcorp
Classification: Uncertain significance for Familial temporal lobe epilepsy 7; Norman-Roberts syndrome. Last evaluated: 2025-02-02. Review status: criteria provided, single submitter. Criteria: Invitae Variant Classification Sherloc (09022015). Collection method: clinical testing. Allele origin: germline.
Comment: This sequence change replaces proline, which is neutral and non-polar, with leucine, which is neutral and non-polar, at codon 2831 of the RELN protein (p.Pro2831Leu). This variant is present in population databases (rs147760518, gnomAD 0.006%). This missense change has been observed in individual(s) with clinical features of RELN-related conditions (PMID: 32086284). ClinVar contains an entry for this variant (Variation ID: 2202552). An algorithm developed to predict the effect of missense changes on protein structure and function (PolyPhen-2) suggests that this variant is likely to be tolerated. Algorithms developed to predict the effect of sequence changes on RNA splicing suggest that this variant may disrupt the consensus splice site. In summary, the available evidence is currently insufficient to determine the role of this variant in disease. Therefore, it has been classified as a Variant of Uncertain Significance.

Literature cited by the submitters: PubMed 32086284.

NM_005045.4(RELN):c.8492C>T (p.Pro2831Leu)

Genes: SLC26A5-AS1 (SLC26A5 antisense RNA 1; plus strand), RELN (reelin; minus strand). Cytogenetic location: 7q22.1.
Variant type: single nucleotide variant.
Coding change: c.8492C>T on transcript NM_005045.4 (MANE Select); coding-DNA position 8492, C replaced by T.
Protein change: p.Pro2831Leu; replaces proline 2831 with leucine.
Molecular consequence: missense variant.
Genome position (GRCh38, 1-based): chr7:103,500,920, G>A on the plus strand (C>T on the coding strand, the complement: RELN is on the minus strand). VCF-style: chr7-103500920-G-A. GRCh37 (hg19) VCF-style: chr7-103141367-G-A.
Other names: c.8492C>T, p.Pro2831Leu (NM_173054.3); short protein forms P2831L.
Identifiers: ClinVar variation 2202552 (VCV002202552.4), dbSNP rs147760518, ClinGen allele CA4420462.